The following is an entry in ClinVar:

ClinVar aggregate classification (germline): Likely benign (1 of 4 stars; one submission).

Allele frequency attached by ClinVar (database versions not stated): gnomAD exomes 0.00001; TOPMed 0.00001.

Submission:

GeneDx
Classification: Likely benign. Last evaluated: 2017-06-01. Review status: criteria provided, single submitter. Criteria: GeneDx Variant Classification (06012015). Collection method: clinical testing. Allele origin: germline. Affected: yes.
Comment: This variant is considered likely benign or benign based on one or more of the following criteria: it is a conservative change, it occurs at a poorly conserved position in the protein, it is predicted to be benign by multiple in silico algorithms, and/or has population frequency not consistent with disease.

NM_001909.5(CTSD):c.-45A>G

Genes: CTSD (cathepsin D; minus strand), LOC130005119 (ATAC-STARR-seq lymphoblastoid silent region 3058; plus strand). Cytogenetic location: 11p15.5.
Variant type: single nucleotide variant.
Coding change: c.-45A>G on transcript NM_001909.5 (MANE Select); 45 bases upstream of the start codon, A replaced by G.
Molecular consequence: 5 prime UTR variant.
Genome position (GRCh38, 1-based): chr11:1,763,904, T>C on the plus strand (A>G on the coding strand, the complement: CTSD is on the minus strand). VCF-style: chr11-1763904-T-C. GRCh37 (hg19) VCF-style: chr11-1785134-T-C.
Identifiers: ClinVar variation 517877 (VCV000517877.1), dbSNP rs1167050955, ClinGen allele CA597430658.